The following is an entry in ClinVar:

ClinVar aggregate classification (germline): Pathogenic (1 of 4 stars; one submission).

Submission:

GeneDx
Classification: Pathogenic. Last evaluated: 2025-07-31. Review status: criteria provided, single submitter. Criteria: GeneDx Variant Classification Process June 2021. Collection method: clinical testing. Allele origin: germline. Affected: yes.
Comment: Frameshift variant predicted to result in protein truncation or nonsense mediated decay in a gene for which loss of function is a known mechanism of disease; Not observed at significant frequency in large population cohorts (gnomAD); Has not been previously published as pathogenic or benign to our knowledge

NM_005676.5(RBM10):c.406_430del (p.Leu136fs)

Gene: RBM10 (RNA binding motif protein 10; plus strand). Cytogenetic location: Xp11.3.
Variant type: Deletion.
Coding change: c.406_430del on transcript NM_005676.5 (MANE Select); coding-DNA positions 406 to 430, 25 bases deleted (CTGCCACAGGCAGCCACTGAGGATG).
Protein change: p.Leu136fs; shifts the reading frame from leucine 136.
Molecular consequence: frameshift variant. On other transcripts: intron variant (4).
Genome position (GRCh38, 1-based): chrX:47,171,232-47,171,256, CTGCCACAGGCAGCCACTGAGGATG deleted; deleting any 25 consecutive bases within chrX:47,171,223-47,171,256 gives the same sequence; the c. name uses the placement nearest the transcript's 3' end. VCF-style (leftmost placement, unchanged base first): chrX-47171222-GCTGAGGATGCTGCCACAGGCAGCCA-G. GRCh37 (hg19) VCF-style: chrX-47030621-GCTGAGGATGCTGCCACAGGCAGCCA-G.
Other names: c.406_430del, p.Leu136fs (NM_001204467.2); c.601_625del, p.Leu201fs (NM_001204468.2, NM_001440861.1); c.396+1734_396+1758del (NM_001440862.1, NM_001440863.1); c.201+1734_201+1758del (NM_001204466.2, NM_152856.3); short protein forms L136fs, L201fs.
Identifiers: ClinVar variation 4690060 (VCV004690060.1).